The following is an entry in ClinVar:

ClinVar aggregate classification (germline): Uncertain significance (1 of 4 stars; one submission).

Conditions:
Dyskeratosis congenita, autosomal dominant 1 (DKCA1). Also called: Dyskeratosis congenita Scoggins type. Identifiers: Orphanet 1775, MedGen C4551974, MONDO:0007485, OMIM 127550. Inheritance: Variable.

Allele frequency attached by ClinVar (database versions not stated): gnomAD exomes below 0.00001 and 0.00001; TOPMed below 0.00001; gnomAD 0.00001.
gnomAD v4.1: 5 of 764,964 alleles (0.00065%); highest among the groups gnomAD compares: Non-Finnish European, 0.0012%; no homozygotes.

Submission:

Labcorp Genetics (formerly Invitae), Labcorp
Classification: Uncertain significance for Dyskeratosis congenita, autosomal dominant 1. Last evaluated: 2025-09-10. Review status: criteria provided, single submitter. Criteria: Invitae Variant Classification Sherloc (09022015). Collection method: clinical testing. Allele origin: germline.
Comment: This variant occurs in the TERC gene, which encodes an RNA molecule that does not result in a protein product. This variant is present in population databases (no rsID available, gnomAD 0.0009%). This variant has not been reported in the literature in individuals affected with TERC-related conditions. ClinVar contains an entry for this variant (Variation ID: 650938). This variant is located within the template/pseudoknot domain of the TERC RNA component, which is required for RNA or RNP stability (PMID: 15082312, 21844345). This variant is located in a region of TERC in which a significant number of disease causing variants have been reported (PMID: 15082312, 21844345, 21931702). These observations suggest that this may be a clinically significant region. In summary, the available evidence is currently insufficient to determine the role of this variant in disease. Therefore, it has been classified as a Variant of Uncertain Significance.

Literature cited by the submitters: PubMed 15082312; PubMed 21844345; PubMed 21931702.

NC_000003.12:g.169764904T>A

Genes: TERC (telomerase RNA component; minus strand), LOC110806306 (telomerase RNA component (TERC) promoter; plus strand). Cytogenetic location: 3q26.2.
Variant type: single nucleotide variant.
Genome position: GRCh38 VCF-style: chr3-169764904-T-A. GRCh37 (hg19) VCF-style: chr3-169482692-T-A.
Identifiers: ClinVar variation 650938 (VCV000650938.11), dbSNP rs1268597311, ClinGen allele CA436715597.